The following is an entry in ClinVar:

ClinVar aggregate classification (germline): Pathogenic/Likely pathogenic. Review status: criteria provided, multiple submitters, no conflicts (2 of 4 stars). 11 submissions from 11 submitters: Pathogenic (9); Likely pathogenic (2). Last evaluated 2026-02-19.

Conditions:
PEX26-related disorder. Also called: PEX26-related condition.
Peroxisome biogenesis disorder 7A (Zellweger). Also called: Peroxisome biogenesis disorder 7A. Identifiers: Orphanet 912, MedGen C3888385, MONDO:0013938, OMIM 614872.
Peroxisome biogenesis disorder 7B (PBD7B). Identifiers: Orphanet 44, MedGen C3553951, MONDO:0013939, OMIM 614873.
Peroxisome biogenesis disorder. Identifiers: Orphanet 79189, MedGen C1832200, MONDO:0019234. Disease mechanism: loss of function.

Allele frequency attached by ClinVar (database versions not stated): gnomAD 0.00001 and 0.00002; TOPMed 0.00001; gnomAD exomes 0.00002; ExAC 0.00003.

Submissions (11):

Department of Human Genetics, Hannover Medical School
Classification: Likely pathogenic for Peroxisome biogenesis disorder 7A (Zellweger). Last evaluated: 2026-02-19. Review status: criteria provided, single submitter. Criteria: ACMG Guidelines, 2015. Collection method: clinical testing. Allele origin: germline. Affected: yes.
Comment: PVS1, PM2_Supporting

Labcorp Genetics (formerly Invitae), Labcorp
Classification: Pathogenic for Peroxisome biogenesis disorder 7A (Zellweger); Peroxisome biogenesis disorder 7B. Last evaluated: 2026-01-06. Review status: criteria provided, single submitter. Criteria: Invitae Variant Classification Sherloc (09022015). Collection method: clinical testing. Allele origin: germline.
Comment: This sequence change creates a premature translational stop signal (p.Arg192*) in the PEX26 gene. It is expected to result in an absent or disrupted protein product. Loss-of-function variants in PEX26 are known to be pathogenic (PMID: 12851857, 21031596). The frequency data for this variant in the population databases is considered unreliable, as metrics indicate poor data quality at this position in the gnomAD database. This premature translational stop signal has been observed in individual(s) with peroxisome biogenesis disorders-Zellweger syndrome spectrum (PMID: 15542397). ClinVar contains an entry for this variant (Variation ID: 928563). For these reasons, this variant has been classified as Pathogenic.

Blueprint Genetics
Classification: Likely pathogenic for PEX26-related disorders. Last evaluated: 2024-11-11. Review status: criteria provided, single submitter. Criteria: ACMG Guidelines, 2015. Collection method: clinical testing. Allele origin: germline. Affected: yes. Observed: 3 variant alleles.

Fulgent Genetics
Classification: Pathogenic for Peroxisome biogenesis disorder 7A (Zellweger); Peroxisome biogenesis disorder 7B. Last evaluated: 2024-03-11. Review status: criteria provided, single submitter. Criteria: ACMG Guidelines, 2015. Collection method: clinical testing. Allele origin: germline.

Baylor Genetics
Classification: Pathogenic for Peroxisome biogenesis disorder 7A (Zellweger). Last evaluated: 2024-03-07. Review status: criteria provided, single submitter. Criteria: ACMG Guidelines, 2015. Collection method: clinical testing. Allele origin: unknown.

Revvity Omics, Revvity
Classification: Pathogenic. Last evaluated: 2023-10-26. Review status: criteria provided, single submitter. Criteria: ACMG Guidelines, 2015. Collection method: clinical testing. Allele origin: germline.

Illumina Laboratory Services, Illumina
Classification: Pathogenic for Peroxisome biogenesis disorder. Last evaluated: 2023-05-17. Review status: criteria provided, single submitter. Criteria: ICSLVariantClassificationCriteria RUGD 01 April 2020. Collection method: clinical testing. Allele origin: unknown.
Comment: The PEX26 c.574C>T (p.Arg192Ter) nonsense variant results in the loss of normal protein function through either protein truncation or nonsense-mediated mRNA decay. This variant has been reported with a second pathogenic PEX26 variant in an individual with clinical and laboratory features consistent with peroxisome biogenesis disorder (PMID: 15542397). This variant is not observed at a significant frequency in version 2.1.1 or version 3.1.2 of the Genome Aggregation Database and has been classified as pathogenic by at least three submitters in ClinVar. The c.574C>T variant was detected in a homozygous state. Based on the available evidence, the c.574C>T (p.Arg192Ter) variant is classified as pathogenic for peroxisome biogenesis disorder.

GeneDx
Classification: Pathogenic. Last evaluated: 2022-05-14. Review status: criteria provided, single submitter. Criteria: GeneDx Variant Classification Process June 2021. Collection method: clinical testing. Allele origin: germline. Affected: yes.
Comment: Nonsense variant predicted to result in protein truncation or nonsense mediated decay in a gene for which loss of function is a known mechanism of disease; Not observed at significant frequency in large population cohorts (gnomAD); This variant is associated with the following publications: (PMID: 34804114, 25525159, 34426522, 12851857, 15542397, 19105186, 21031596)

Women's Health and Genetics/Laboratory Corporation of America, LabCorp
Classification: Pathogenic for Peroxisome biogenesis disorders, Zellweger syndrome spectrum. Last evaluated: 2019-05-06. Review status: criteria provided, single submitter. Criteria: LabCorp Variant Classification Summary - May 2015. Collection method: clinical testing. Allele origin: germline.
Comment: Variant summary: PEX26 c.574C>T (p.Arg192X) results in a premature termination codon, predicted to cause a truncation of the encoded protein or absence of the protein due to nonsense mediated decay, which are commonly known mechanisms for disease. The variant allele was found at a frequency of 2e-05 in 251294 control chromosomes (gnomAD). c.574C>T has been reported in the literature in individuals affected with Zellweger Syndrome (Ebberink_2010, Steinberg_2004). These data indicate that the variant may be associated with disease. A publication, Guder_2019, performed a functional study to assess the pathophysiological relevance of PEX26 oligomerization and found the variant of interest to not oligomerize but was still able to interact with PEX6. No clinical diagnostic laboratories have submitted clinical-significance assessments for this variant to ClinVar after 2014. Based on the evidence outlined above, the variant was classified as pathogenic.

Institute for Medical Genetics and Human Genetics, Charité - Universitätsmedizin Berlin
Classification: Pathogenic for Peroxisome biogenesis disorder 7A (Zellweger). Review status: criteria provided, single submitter. Criteria: ACMG Guidelines, 2015. Collection method: not provided. Allele origin: germline. Inheritance: Autosomal recessive inheritance. Affected: yes.

Juno Genomics, Hangzhou Juno Genomics, Inc
Classification: Pathogenic for Peroxisome biogenesis disorder 7A (Zellweger); Peroxisome biogenesis disorder 7B. Review status: criteria provided, single submitter. Criteria: ACMG Guidelines, 2015. Collection method: clinical testing. Allele origin: germline.
Comment: Absent from controls (or at extremely low frequency if recessive) in Genome Aggregation Database.;Null variant in a gene where loss of function (LOF) is a known mechanism of disease.;For recessive disorders, detected in trans with a pathogenic variant.

Literature cited by the submitters: PubMed 12851857 (cited by Labcorp Genetics (formerly Invitae), Labcorp); PubMed 21031596 (cited by Labcorp Genetics (formerly Invitae), Labcorp and Women's Health and Genetics/Laboratory Corporation of America, LabCorp); PubMed 15542397 (cited by 3 submitters); PubMed 30366024 (cited by Women's Health and Genetics/Laboratory Corporation of America, LabCorp).

NM_001127649.3(PEX26):c.574C>T (p.Arg192Ter)

Gene: PEX26 (peroxisomal biogenesis factor 26; plus strand). Cytogenetic location: 22q11.21.
Variant type: single nucleotide variant.
Coding change: c.574C>T on transcript NM_001127649.3 (MANE Select); coding-DNA position 574, C replaced by T.
Protein change: p.Arg192Ter; replaces arginine 192 with a stop codon.
Molecular consequence: nonsense.
Genome position (GRCh38, 1-based): chr22:18,083,639, C>T. VCF-style: chr22-18083639-C-T. GRCh37 (hg19) VCF-style: chr22-18566405-C-T.
Other names: c.574C>T, p.Arg192Ter (NM_001199319.2, NM_017929.6); short protein forms R192*.
Identifiers: ClinVar variation 928563 (VCV000928563.22), dbSNP rs61752136, ClinGen allele CA10093357.